The following is an entry in ClinVar:

NM_004999.4(MYO6):c.2106G>A (p.Gln702=)

Gene: MYO6 (myosin VI; plus strand). Cytogenetic location: 6q14.1.
Variant type: single nucleotide variant.
Coding change: c.2106G>A on transcript NM_004999.4 (MANE Select); coding-DNA position 2106, G replaced by A.
Protein change: p.Gln702=; no amino-acid change (glutamine 702 retained).
Molecular consequence: synonymous variant. On other transcripts: non-coding transcript variant (1).
Genome position (GRCh38, 1-based): chr6:75,879,848, G>A. VCF-style: chr6-75879848-G-A. GRCh37 (hg19) VCF-style: chr6-76589565-G-A.
Other names: c.2106G>A, p.Gln702= (NM_001300899.2, NM_001368136.1, NM_001368137.1 and 2 more transcripts); c.2091G>A, p.Gln697= (NM_001368138.1).
Identifiers: ClinVar variation 3778381 (VCV003778381.7).

ClinVar aggregate classification (germline): Likely benign (1 of 4 stars; one submission).

gnomAD v4.1: 2 of 1,614,058 alleles (0.00012%); highest among the groups gnomAD compares: South Asian, 0.0011%; no homozygotes.

Submission:

CeGaT Center for Human Genetics Tuebingen
Classification: Likely benign. Last evaluated: 2025-03-01. Review status: criteria provided, single submitter. Criteria: CeGaT Center For Human Genetics Tuebingen Variant Classification Criteria Version 2. Collection method: clinical testing. Allele origin: germline. Affected: yes. Observed: 1 variant allele.
Comment: MYO6: BP4, BP7